The following is an entry in ClinVar:

NM_004046.6(ATP5F1A):c.604A>G (p.Ile202Val)

Gene: ATP5F1A (ATP synthase F1 subunit alpha; minus strand). Cytogenetic location: 18q21.1.
Variant type: single nucleotide variant.
Coding change: c.604A>G on transcript NM_004046.6 (MANE Select); coding-DNA position 604, A replaced by G.
Protein change: p.Ile202Val; replaces isoleucine 202 with valine.
Molecular consequence: missense variant.
Genome position (GRCh38, 1-based): chr18:46,089,612, T>C on the plus strand (A>G on the coding strand, the complement: ATP5F1A is on the minus strand). VCF-style: chr18-46089612-T-C. GRCh37 (hg19) VCF-style: chr18-43669578-T-C.
Other names: c.604A>G (NM_001001937.1); c.454A>G, p.Ile152Val (NM_001001935.3, NM_001257335.2); c.604A>G, p.Ile202Val (NM_001001937.2); c.538A>G, p.Ile180Val (NM_001257334.2); short protein forms I152V, I180V, I202V.
Identifiers: ClinVar variation 1701339 (VCV001701339.36), dbSNP rs377180451, ClinGen allele CA8950772.
Genomic context (GRCh38, chr18:46,089,612, plus strand): 5'-TTTTGAGTCTTTACCCAGTCTGTCGGTCACCAATAATCAGTTCACGCTGACCACGACCAA[T>C]TGGCACCAAGCTATCCACAGCCTTAATGCCAGTCTGCATTGGTTCCCGCACTGAAATTCG-3'
Protein context (NP_004037.1, residues 192-212): GIKAVDSLVP[Ile202Val]GRGQRELIIG

ClinVar aggregate classification (germline): Uncertain significance. Review status: criteria provided, multiple submitters, no conflicts (2 of 4 stars). 3 submissions from 3 submitters: Uncertain significance (3). Last evaluated 2025-09-26.

Conditions:
Inborn genetic diseases. Identifiers: MedGen C0950123, MeSH D030342.

Allele frequency attached by ClinVar (database versions not stated): ExAC 0.00003; gnomAD 0.00004; gnomAD exomes 0.00004; TOPMed 0.00005; ESP Exome Variant Server 0.00008.
gnomAD v4.1: 60 of 1,614,114 alleles (0.0037%); highest among the groups gnomAD compares: Admixed American, 0.005%; no homozygotes.

Submissions (3):

Ambry Genetics
Classification: Uncertain significance for Inborn genetic diseases. Last evaluated: 2025-09-26. Review status: criteria provided, single submitter. Criteria: Ambry Variant Classification Scheme 2023. Collection method: clinical testing. Allele origin: germline.

Labcorp Genetics (formerly Invitae), Labcorp
Classification: Uncertain significance. Last evaluated: 2024-10-26. Review status: criteria provided, single submitter. Criteria: Invitae Variant Classification Sherloc (09022015). Collection method: clinical testing. Allele origin: germline.
Comment: This sequence change replaces isoleucine, which is neutral and non-polar, with valine, which is neutral and non-polar, at codon 202 of the ATP5A1 protein (p.Ile202Val). This variant is present in population databases (rs377180451, gnomAD 0.006%). This variant has not been reported in the literature in individuals affected with ATP5A1-related conditions. ClinVar contains an entry for this variant (Variation ID: 1701339). Invitae Evidence Modeling of protein sequence and biophysical properties (such as structural, functional, and spatial information, amino acid conservation, physicochemical variation, residue mobility, and thermodynamic stability) indicates that this missense variant is not expected to disrupt ATP5A1 protein function with a negative predictive value of 80%. In summary, the available evidence is currently insufficient to determine the role of this variant in disease. Therefore, it has been classified as a Variant of Uncertain Significance.

CeGaT Center for Human Genetics Tuebingen
Classification: Uncertain significance. Last evaluated: 2022-07-01. Review status: criteria provided, single submitter. Criteria: CeGaT Center For Human Genetics Tuebingen Variant Classification Criteria Version 2. Collection method: clinical testing. Allele origin: germline. Affected: yes. Observed: 1 variant allele.
Comment: ATP5F1A: PM2